The following is an entry in ClinVar:

ClinVar aggregate classification (germline): Uncertain significance (1 of 4 stars; one submission).

Conditions:
Nephronophthisis 9 (NPHP9). Identifiers: Orphanet 655, MedGen C3151188, MONDO:0013444, OMIM 613824.

gnomAD v4.1: 4 of 1,614,028 alleles (0.00025%); highest among the groups gnomAD compares: Non-Finnish European, 0.00034%; no homozygotes.

Submission:

Labcorp Genetics (formerly Invitae), Labcorp
Classification: Uncertain significance for Nephronophthisis 9. Last evaluated: 2025-03-01. Review status: criteria provided, single submitter. Criteria: Invitae Variant Classification Sherloc (09022015). Collection method: clinical testing. Allele origin: germline.
Comment: This sequence change replaces proline, which is neutral and non-polar, with serine, which is neutral and polar, at codon 370 of the NEK8 protein (p.Pro370Ser). This variant is not present in population databases (gnomAD no frequency). This variant has not been reported in the literature in individuals affected with NEK8-related conditions. An algorithm developed to predict the effect of missense changes on protein structure and function (PolyPhen-2) suggests that this variant is likely to be tolerated. In summary, the available evidence is currently insufficient to determine the role of this variant in disease. Therefore, it has been classified as a Variant of Uncertain Significance.

NM_178170.3(NEK8):c.1108C>T (p.Pro370Ser)

Gene: NEK8 (NIMA related kinase 8; plus strand). Cytogenetic location: 17q11.2.
Variant type: single nucleotide variant.
Coding change: c.1108C>T on transcript NM_178170.3 (MANE Select); coding-DNA position 1108, C replaced by T.
Protein change: p.Pro370Ser; replaces proline 370 with serine.
Molecular consequence: missense variant.
Genome position (GRCh38, 1-based): chr17:28,738,131, C>T. VCF-style: chr17-28738131-C-T. GRCh37 (hg19) VCF-style: chr17-27065149-C-T.
Other names: short protein forms P370S.
Identifiers: ClinVar variation 4762176 (VCV004762176.1).
Genomic context (GRCh38, chr17:28,738,131, plus strand): 5'-CTGCCCATCCCCCTGCCCCTGCAGGCCCCACCCCTAGGTGCAGGCGGAGGCAGTCTCCTT[C>T]CTGGGGCAGTGGAGCAGCCACAGCCCCAGTTCATCTCGCGTTTCCTGGAGGGCCAGTCGG-3'
Protein context (NP_835464.1, residues 360-380): PLGAGGGSLL[Pro370Ser]GAVEQPQPQF